The following is an entry in ClinVar:

NM_005228.5(EGFR):c.1648G>C (p.Val550Leu)

Gene: EGFR (epidermal growth factor receptor; plus strand). Cytogenetic location: 7p11.2.
Variant type: single nucleotide variant.
Coding change: c.1648G>C on transcript NM_005228.5 (MANE Select); coding-DNA position 1648, G replaced by C.
Protein change: p.Val550Leu; replaces valine 550 with leucine.
Molecular consequence: missense variant.
Genome position (GRCh38, 1-based): chr7:55,163,749, G>C. VCF-style: chr7-55163749-G-C. GRCh37 (hg19) VCF-style: chr7-55231442-G-C.
Other names: c.1513G>C, p.Val505Leu (NM_001346897.2, NM_001346899.2); c.1648G>C, p.Val550Leu (NM_001346898.2, NM_201282.2, NM_201284.2); c.1489G>C, p.Val497Leu (NM_001346900.2); c.847G>C, p.Val283Leu (NM_001346941.2); short protein forms V283L, V550L, V497L, V505L.
Identifiers: ClinVar variation 2009071 (VCV002009071.4), dbSNP rs1785819776, ClinGen allele CA367580435.

ClinVar aggregate classification (germline): Uncertain significance (1 of 4 stars; one submission).

Conditions:
EGFR-related lung cancer (EGFR). Identifiers: MedGen CN130014.

Submission:

Labcorp Genetics (formerly Invitae), Labcorp
Classification: Uncertain significance for EGFR-related lung cancer. Last evaluated: 2024-04-22. Review status: criteria provided, single submitter. Criteria: Invitae Variant Classification Sherloc (09022015). Collection method: clinical testing. Allele origin: germline.
Comment: This sequence change replaces valine, which is neutral and non-polar, with leucine, which is neutral and non-polar, at codon 550 of the EGFR protein (p.Val550Leu). This variant is not present in population databases (gnomAD no frequency). This variant has not been reported in the literature in individuals affected with EGFR-related conditions. ClinVar contains an entry for this variant (Variation ID: 2009071). Advanced modeling of protein sequence and biophysical properties (such as structural, functional, and spatial information, amino acid conservation, physicochemical variation, residue mobility, and thermodynamic stability) performed at Invitae indicates that this missense variant is not expected to disrupt EGFR protein function with a negative predictive value of 80%. In summary, the available evidence is currently insufficient to determine the role of this variant in disease. Therefore, it has been classified as a Variant of Uncertain Significance.